The following is an entry in ClinVar:

ClinVar aggregate classification (germline): Pathogenic (1 of 4 stars; one submission).

Submission:

Labcorp Genetics (formerly Invitae), Labcorp
Classification: Pathogenic. Last evaluated: 2022-12-16. Review status: criteria provided, single submitter. Criteria: Invitae Variant Classification Sherloc (09022015). Collection method: clinical testing. Allele origin: germline.
Comment: This sequence change creates a premature translational stop signal (p.Leu2886Alafs*7) in the MYO15A gene. It is expected to result in an absent or disrupted protein product. Loss-of-function variants in MYO15A are known to be pathogenic (PMID: 17546645). This variant is not present in population databases (gnomAD no frequency). This variant has not been reported in the literature in individuals affected with MYO15A-related conditions. For these reasons, this variant has been classified as Pathogenic.

Literature cited by the submitters: PubMed 17546645.

NM_016239.4(MYO15A):c.8655dup (p.Leu2886fs)

Gene: MYO15A (myosin XVA; plus strand). Cytogenetic location: 17p11.2.
Variant type: Duplication.
Coding change: c.8655dup on transcript NM_016239.4 (MANE Select); coding-DNA position 8655, one base duplicated (G; older notation c.8655dupG).
Protein change: p.Leu2886fs; shifts the reading frame from leucine 2886.
Molecular consequence: frameshift variant.
Genome position (GRCh38, 1-based): chr17:18,157,007, G duplicated. VCF-style (leftmost placement, unchanged base first): chr17-18157006-T-TG. GRCh37 (hg19) VCF-style: chr17-18060320-T-TG.
Other names: short protein forms L2886fs.
Identifiers: ClinVar variation 2821454 (VCV002821454.3), dbSNP rs2545303014, ClinGen allele CA2739267178.